The following is an entry in ClinVar:

ClinVar aggregate classification (germline): Uncertain significance (1 of 4 stars; one submission).

Conditions:
FGFR2-related craniosynostosis. Identifiers: MedGen CN231480.

Submission:

Labcorp Genetics (formerly Invitae), Labcorp
Classification: Uncertain significance for FGFR2-related craniosynostosis. Last evaluated: 2025-02-17. Review status: criteria provided, single submitter. Criteria: Invitae Variant Classification Sherloc (09022015). Collection method: clinical testing. Allele origin: germline.
Comment: This sequence change replaces methionine, which is neutral and non-polar, with valine, which is neutral and non-polar, at codon 121 of the FGFR2 protein (p.Met121Val). This variant is not present in population databases (gnomAD no frequency). This variant has not been reported in the literature in individuals affected with FGFR2-related conditions. ClinVar contains an entry for this variant (Variation ID: 2064139). Invitae Evidence Modeling of protein sequence and biophysical properties (such as structural, functional, and spatial information, amino acid conservation, physicochemical variation, residue mobility, and thermodynamic stability) indicates that this missense variant is not expected to disrupt FGFR2 protein function with a negative predictive value of 80%. In summary, the available evidence is currently insufficient to determine the role of this variant in disease. Therefore, it has been classified as a Variant of Uncertain Significance.

NM_000141.5(FGFR2):c.361A>G (p.Met121Val)

Gene: FGFR2 (fibroblast growth factor receptor 2; minus strand). Cytogenetic location: 10q26.13.
Variant type: single nucleotide variant.
Coding change: c.361A>G on transcript NM_000141.5 (MANE Select); coding-DNA position 361, A replaced by G.
Protein change: p.Met121Val; replaces methionine 121 with valine.
Molecular consequence: missense variant. On other transcripts: intron variant (9).
Genome position (GRCh38, 1-based): chr10:121,565,453, T>C on the plus strand (A>G on the coding strand, the complement: FGFR2 is on the minus strand). VCF-style: chr10-121565453-T-C. GRCh37 (hg19) VCF-style: chr10-123324967-T-C.
Other names: c.361A>G, p.Met121Val (NM_001144913.1, NM_001144914.1, NM_001144917.2 and 3 more transcripts); c.110-13994A>G (NM_001144918.2, NM_001441091.1, NM_001441090.1 and 1 more transcripts); c.110-874A>G (NM_001441089.1, NM_023029.3, NM_001441088.1 and 2 more transcripts); short protein forms M121V.
Identifiers: ClinVar variation 2064139 (VCV002064139.4), dbSNP rs910002462, ClinGen allele CA378324165.